The following is an entry in ClinVar:

ClinVar aggregate classification (germline): Uncertain significance (1 of 4 stars; one submission).

Conditions:
Pityriasis rubra pilaris (PRP). Also called: Pityriasis rubra pilaris--familial type. Identifiers: Orphanet 2897, MedGen C0032027, MONDO:0100017, OMIM 173200, MONDO:0008251.
Psoriasis 2. Identifiers: MedGen C1864497, MONDO:0011269, OMIM 602723.

Allele frequency attached by ClinVar (database versions not stated): gnomAD exomes below 0.00001 and 0.00001; ExAC 0.00001.
gnomAD v4.1: 4 of 1,588,700 alleles (0.00025%); highest among the groups gnomAD compares: Admixed American, 0.0037%; no homozygotes.

Submission:

Labcorp Genetics (formerly Invitae), Labcorp
Classification: Uncertain significance for Pityriasis rubra pilaris; Psoriasis 2. Last evaluated: 2021-09-29. Review status: criteria provided, single submitter. Criteria: Invitae Variant Classification Sherloc (09022015). Collection method: clinical testing. Allele origin: germline.
Comment: In summary, the available evidence is currently insufficient to determine the role of this variant in disease. Therefore, it has been classified as a Variant of Uncertain Significance. Algorithms developed to predict the effect of missense changes on protein structure and function are either unavailable or do not agree on the potential impact of this missense change (SIFT: "Deleterious"; PolyPhen-2: "Probably Damaging"; Align-GVGD: "Class C0"). This variant has not been reported in the literature in individuals affected with CARD14-related conditions. This variant is present in population databases (rs778718425, ExAC 0.009%). This sequence change replaces leucine with proline at codon 308 of the CARD14 protein (p.Leu308Pro). The leucine residue is moderately conserved and there is a moderate physicochemical difference between leucine and proline.

NM_001366385.1(CARD14):c.923T>C (p.Leu308Pro)

Gene: CARD14 (caspase recruitment domain family member 14; plus strand). Cytogenetic location: 17q25.3.
Variant type: single nucleotide variant.
Coding change: c.923T>C on transcript NM_001366385.1 (MANE Select); coding-DNA position 923, T replaced by C.
Protein change: p.Leu308Pro; replaces leucine 308 with proline.
Molecular consequence: missense variant. On other transcripts: non-coding transcript variant (1).
Genome position (GRCh38, 1-based): chr17:80,189,832, T>C. VCF-style: chr17-80189832-T-C. GRCh37 (hg19) VCF-style: chr17-78163631-T-C.
Other names: c.923T>C, p.Leu308Pro (NM_001257970.1, NM_024110.4); c.212T>C, p.Leu71Pro (NM_052819.3); short protein forms L71P, L308P.
Identifiers: ClinVar variation 837697 (VCV000837697.8), dbSNP rs778718425, ClinGen allele CA8816574.